The following is an entry in ClinVar:

ClinVar aggregate classification (germline): Uncertain significance (1 of 4 stars; one submission).

Conditions:
PKD1-related disorder. Also called: PKD1-related condition.

gnomAD v4.1: 6 of 1,608,956 alleles (0.00037%); highest among the groups gnomAD compares: African/African-American, 0.0027%; no homozygotes.

Submission:

PreventionGenetics, part of Exact Sciences
Classification: Uncertain significance for PKD1-related condition. Last evaluated: 2026-09-10. Review status: criteria provided, single submitter. Criteria: ACMG Guidelines, 2015. Collection method: clinical testing. Allele origin: germline.
Comment: The PKD1 c.3857G>A variant is predicted to result in the amino acid substitution p.Ser1286Asn. To our knowledge, this variant has not been reported in the literature. This variant is reported in 0.0033% of alleles in individuals of South Asian descent in gnomAD. At this time, the clinical significance of this variant is uncertain due to the absence of conclusive functional and genetic evidence.

NM_001009944.3(PKD1):c.3857G>A (p.Ser1286Asn)

Gene: PKD1 (polycystin 1, transient receptor potential channel interacting; minus strand). Cytogenetic location: 16p13.3.
Variant type: single nucleotide variant.
Coding change: c.3857G>A on transcript NM_001009944.3 (MANE Select); coding-DNA position 3857, G replaced by A.
Protein change: p.Ser1286Asn; replaces serine 1286 with asparagine.
Molecular consequence: missense variant.
Genome position (GRCh38, 1-based): chr16:2,111,310, C>T on the plus strand (G>A on the coding strand, the complement: PKD1 is on the minus strand). VCF-style: chr16-2111310-C-T. GRCh37 (hg19) VCF-style: chr16-2161311-C-T.
Other names: c.3857G>A, p.Ser1286Asn (NM_000296.4); short protein forms S1286N.
Identifiers: ClinVar variation 4996319 (VCV004996319.1).